The following is an entry in ClinVar:

ClinVar aggregate classification (germline): Uncertain significance. Review status: criteria provided, multiple submitters, no conflicts (2 of 4 stars). 2 submissions from 2 submitters: Uncertain significance (2). Last evaluated 2022-10-20.

Conditions:
Hereditary cancer-predisposing syndrome. Also called: Neoplastic Syndromes, Hereditary; Tumor predisposition; Hereditary Cancer Syndrome; Hereditary neoplastic syndrome. Identifiers: Orphanet 140162, MedGen C0027672, MeSH D009386, MONDO:0015356.
Neuroblastoma, susceptibility to, 3. Also called: ALK-Related Neuroblastic Tumor Susceptibility. Identifiers: Orphanet 635, MedGen C2751681, MONDO:0013083, OMIM 613014.

Submissions (2):

Ambry Genetics
Classification: Uncertain significance for Hereditary cancer-predisposing syndrome. Last evaluated: 2022-10-20. Review status: criteria provided, single submitter. Criteria: Ambry Variant Classification Scheme 2023. Collection method: clinical testing. Allele origin: germline.
Comment: The p.G30D variant (also known as c.89G>A), located in coding exon 1 of the ALK gene, results from a G to A substitution at nucleotide position 89. The glycine at codon 30 is replaced by aspartic acid, an amino acid with similar properties. This amino acid position is conserved. In addition, this alteration is predicted to be tolerated by in silico analysis. Since supporting evidence is limited at this time, the clinical significance of this alteration remains unclear.

Labcorp Genetics (formerly Invitae), Labcorp
Classification: Uncertain significance for Neuroblastoma, susceptibility to, 3. Last evaluated: 2020-01-13. Review status: criteria provided, single submitter. Criteria: Invitae Variant Classification Sherloc (09022015). Collection method: clinical testing. Allele origin: germline.
Comment: In summary, the available evidence is currently insufficient to determine the role of this variant in disease. Therefore, it has been classified as a Variant of Uncertain Significance. Algorithms developed to predict the effect of missense changes on protein structure and function output the following: SIFT: "Deleterious"; PolyPhen-2: "Probably Damaging"; Align-GVGD: "Class C0". The aspartic acid amino acid residue is found in multiple mammalian species, suggesting that this missense change does not adversely affect protein function. These predictions have not been confirmed by published functional studies and their clinical significance is uncertain. This variant has not been reported in the literature in individuals with ALK-related disease. This variant is not present in population databases (ExAC no frequency). This sequence change replaces glycine with aspartic acid at codon 30 of the ALK protein (p.Gly30Asp). The glycine residue is moderately conserved and there is a moderate physicochemical difference between glycine and aspartic acid.

NM_004304.5(ALK):c.89G>A (p.Gly30Asp)

Gene: ALK (ALK receptor tyrosine kinase; minus strand). Cytogenetic location: 2p23.1.
Variant type: single nucleotide variant.
Coding change: c.89G>A on transcript NM_004304.5 (MANE Select); coding-DNA position 89, G replaced by A.
Protein change: p.Gly30Asp; replaces glycine 30 with aspartic acid.
Molecular consequence: missense variant.
Genome position (GRCh38, 1-based): chr2:29,920,571, C>T on the plus strand (G>A on the coding strand, the complement: ALK is on the minus strand). VCF-style: chr2-29920571-C-T. GRCh37 (hg19) VCF-style: chr2-30143437-C-T.
Other names: short protein forms G30D.
Identifiers: ClinVar variation 566737 (VCV000566737.11), dbSNP rs1558550220, ClinGen allele CA346590710.